The following is an entry in ClinVar:

NM_152564.5(VPS13B):c.6873G>T (p.Leu2291Phe)

Gene: VPS13B (vacuolar protein sorting 13 homolog B; plus strand). Cytogenetic location: 8q22.2.
Variant type: single nucleotide variant.
Coding change: c.6873G>T on transcript NM_152564.5 (MANE Select); coding-DNA position 6873, G replaced by T.
Protein change: p.Leu2291Phe; replaces leucine 2291 with phenylalanine.
Molecular consequence: missense variant.
Genome position (GRCh38, 1-based): chr8:99,720,870, G>T. VCF-style: chr8-99720870-G-T. GRCh37 (hg19) VCF-style: chr8-100733098-G-T.
Other names: c.6948G>T, p.Leu2316Phe (NM_017890.5); short protein forms L2291F, L2316F.
Identifiers: ClinVar variation 4805630 (VCV004805630.1).

ClinVar aggregate classification (germline): Uncertain significance (1 of 4 stars; one submission).

Conditions:
Cohen syndrome (COH1). Also called: Cutis verticis gyrata, retinitis pigmentosa, and sensorineural deafness; PEPPER SYNDROME. Identifiers: Orphanet 193, MedGen C0265223, MONDO:0008999, OMIM 216550.

gnomAD v4.1: 1 of 1,612,754 alleles (0.000062%); highest among the groups gnomAD compares: South Asian, 0.0011%; no homozygotes.

Submission:

Labcorp Genetics (formerly Invitae), Labcorp
Classification: Uncertain significance for Cohen syndrome. Last evaluated: 2025-08-10. Review status: criteria provided, single submitter. Criteria: Invitae Variant Classification Sherloc (09022015). Collection method: clinical testing. Allele origin: germline.
Comment: This sequence change replaces leucine, which is neutral and non-polar, with phenylalanine, which is neutral and non-polar, at codon 2316 of the VPS13B protein (p.Leu2316Phe). This variant is not present in population databases (gnomAD no frequency). This variant has not been reported in the literature in individuals affected with VPS13B-related conditions. Invitae Evidence Modeling of protein sequence and biophysical properties (such as structural, functional, and spatial information, amino acid conservation, physicochemical variation, residue mobility, and thermodynamic stability) indicates that this missense variant is not expected to disrupt VPS13B protein function with a negative predictive value of 80%. In summary, the available evidence is currently insufficient to determine the role of this variant in disease. Therefore, it has been classified as a Variant of Uncertain Significance.